The following is an entry in ClinVar:

NM_181703.4(GJA5):c.997C>T (p.Leu333Phe)

Gene: GJA5 (gap junction protein alpha 5; minus strand). Cytogenetic location: 1q21.2.
Variant type: single nucleotide variant.
Coding change: c.997C>T on transcript NM_181703.4 (MANE Select); coding-DNA position 997, C replaced by T.
Protein change: p.Leu333Phe; replaces leucine 333 with phenylalanine.
Molecular consequence: missense variant.
Genome position (GRCh38, 1-based): chr1:147,758,242, G>A on the plus strand (C>T on the coding strand, the complement: GJA5 is on the minus strand). VCF-style: chr1-147758242-G-A. GRCh37 (hg19) VCF-style: chr1-147230350-G-A.
Other names: c.997C>T, p.Leu333Phe (NM_005266.7); short protein forms L333F.
Identifiers: ClinVar variation 3761862 (VCV003761862.2).

ClinVar aggregate classification (germline): Uncertain significance (1 of 4 stars; one submission).

Conditions:
Atrial standstill 1 (ATRST1). Also called: ATRIAL CARDIOMYOPATHY WITH HEART BLOCK; CARDIOMYOPATHY, FAMILIAL, WITH CONDUCTION DISTURBANCE; Atrial standstill, digenic (GJA5/SCN5A). Identifiers: Orphanet 1344, MedGen C4551959, MONDO:0007171, OMIM 108770.
Atrial fibrillation, familial, 11 (ATFB11). Identifiers: MedGen C3279693, MONDO:0013544, OMIM 614049.

gnomAD v4.1: 31 of 1,614,036 alleles (0.0019%); highest among the groups gnomAD compares: East Asian, 0.062%; no homozygotes.

Submission:

Labcorp Genetics (formerly Invitae), Labcorp
Classification: Uncertain significance for Atrial fibrillation, familial, 11; Atrial standstill 1. Last evaluated: 2025-01-23. Review status: criteria provided, single submitter. Criteria: Invitae Variant Classification Sherloc (09022015). Collection method: clinical testing. Allele origin: germline.
Comment: This sequence change replaces leucine, which is neutral and non-polar, with phenylalanine, which is neutral and non-polar, at codon 333 of the GJA5 protein (p.Leu333Phe). This variant is present in population databases (rs782785806, gnomAD 0.0009%). This variant has not been reported in the literature in individuals affected with GJA5-related conditions. An algorithm developed to predict the effect of missense changes on protein structure and function outputs the following: PolyPhen-2: "Benign". The phenylalanine amino acid residue is found in multiple mammalian species, which suggests that this missense change does not adversely affect protein function. In summary, the available evidence is currently insufficient to determine the role of this variant in disease. Therefore, it has been classified as a Variant of Uncertain Significance.